The following is an entry in ClinVar:

NM_000540.3(RYR1):c.5500G>A (p.Val1834Met)

Gene: RYR1 (ryanodine receptor 1; plus strand). Cytogenetic location: 19q13.2.
Variant type: single nucleotide variant.
Coding change: c.5500G>A on transcript NM_000540.3 (MANE Select); coding-DNA position 5500, G replaced by A.
Protein change: p.Val1834Met; replaces valine 1834 with methionine.
Molecular consequence: missense variant.
Genome position (GRCh38, 1-based): chr19:38,486,155, G>A. VCF-style: chr19-38486155-G-A. GRCh37 (hg19) VCF-style: chr19-38976795-G-A.
Other names: c.5500G>A, p.Val1834Met (NM_001042723.2); short protein forms V1834M.
Identifiers: ClinVar variation 936423 (VCV000936423.9), dbSNP rs1485656805, ClinGen allele CA405655784.

ClinVar aggregate classification (germline): Uncertain significance (1 of 4 stars; one submission).

Conditions:
RYR1-related disorder. Also called: RYR1-related disorders; RYR1-related condition. Identifiers: MedGen CN239331.

Allele frequency attached by ClinVar (database versions not stated): gnomAD exomes below 0.00001; gnomAD 0.00001; TOPMed 0.00001.
gnomAD v4.1: 6 of 1,612,982 alleles (0.00037%); highest among the groups gnomAD compares: Middle Eastern, 0.016%; no homozygotes.

Submission:

Labcorp Genetics (formerly Invitae), Labcorp
Classification: Uncertain significance for RYR1-related disorder. Last evaluated: 2024-02-25. Review status: criteria provided, single submitter. Criteria: Invitae Variant Classification Sherloc (09022015). Collection method: clinical testing. Allele origin: germline.
Comment: This sequence change replaces valine, which is neutral and non-polar, with methionine, which is neutral and non-polar, at codon 1834 of the RYR1 protein (p.Val1834Met). The frequency data for this variant in the population databases is considered unreliable, as metrics indicate poor data quality at this position in the gnomAD database. This variant has not been reported in the literature in individuals affected with RYR1-related conditions. ClinVar contains an entry for this variant (Variation ID: 936423). Advanced modeling of protein sequence and biophysical properties (such as structural, functional, and spatial information, amino acid conservation, physicochemical variation, residue mobility, and thermodynamic stability) performed at Invitae indicates that this missense variant is not expected to disrupt RYR1 protein function with a negative predictive value of 95%. In summary, the available evidence is currently insufficient to determine the role of this variant in disease. Therefore, it has been classified as a Variant of Uncertain Significance.